The following is an entry in ClinVar:

NM_001844.5(COL2A1):c.2517+4A>T

Gene: COL2A1 (collagen type II alpha 1 chain; minus strand). Cytogenetic location: 12q13.11.
Variant type: single nucleotide variant.
Coding change: c.2517+4A>T on transcript NM_001844.5 (MANE Select); 4 bases into the intron after coding-DNA position 2517, A replaced by T.
Molecular consequence: intron variant.
Genome position (GRCh38, 1-based): chr12:47,980,911, T>A on the plus strand (A>T on the coding strand, the complement: COL2A1 is on the minus strand). VCF-style: chr12-47980911-T-A. GRCh37 (hg19) VCF-style: chr12-48374694-T-A.
Other names: c.2310+4A>T (NM_033150.3).
Identifiers: ClinVar variation 4732743 (VCV004732743.1).

ClinVar aggregate classification (germline): Uncertain significance (1 of 4 stars; one submission).

Submission:

Labcorp Genetics (formerly Invitae), Labcorp
Classification: Uncertain significance. Last evaluated: 2025-12-08. Review status: criteria provided, single submitter. Criteria: Invitae Variant Classification Sherloc (09022015). Collection method: clinical testing. Allele origin: germline.
Comment: This sequence change falls in intron 38 of the COL2A1 gene. It does not directly change the encoded amino acid sequence of the COL2A1 protein. It affects a nucleotide within the consensus splice site. This variant is not present in population databases (gnomAD no frequency). This variant has not been reported in the literature in individuals affected with COL2A1-related conditions. Variants that disrupt the consensus splice site are a relatively common cause of aberrant splicing (PMID: 17576681, 9536098). Algorithms developed to predict the effect of sequence changes on RNA splicing suggest that this variant may disrupt the consensus splice site. In summary, the available evidence is currently insufficient to determine the role of this variant in disease. Therefore, it has been classified as a Variant of Uncertain Significance.

Literature cited by the submitters: PubMed 17576681; PubMed 9536098.